The following is an entry in ClinVar:

NM_001283009.2(RTEL1):c.1073C>T (p.Thr358Met)

Genes: RTEL1 (regulator of telomere elongation helicase 1; plus strand), RTEL1-TNFRSF6B (RTEL1-TNFRSF6B readthrough (NMD candidate); plus strand). Cytogenetic location: 20q13.33.
Variant type: single nucleotide variant.
Coding change: c.1073C>T on transcript NM_001283009.2 (MANE Select); coding-DNA position 1073, C replaced by T.
Protein change: p.Thr358Met; replaces threonine 358 with methionine.
Molecular consequence: missense variant. On other transcripts: non-coding transcript variant (1).
Genome position (GRCh38, 1-based): chr20:63,679,884, C>T. VCF-style: chr20-63679884-C-T. GRCh37 (hg19) VCF-style: chr20-62311237-C-T.
Other names: c.404C>T, p.Thr135Met (NM_001283010.1); c.1073C>T, p.Thr358Met (NM_016434.4); c.1145C>T, p.Thr382Met (NM_032957.5); short protein forms T358M, T382M, T135M.
Identifiers: ClinVar variation 3948458 (VCV003948458.1).
Genomic context (GRCh38, chr20:63,679,884, plus strand): 5'-GAGCCTGCCTTCTTCTCCTCGGCAGCTACATCTTTGAGCTGTTTGCTGAAGCCCAGATCA[C>T]GTTTCAGACCAAGGGCTGCATCCTGGACTCGCTGGACCAGATCATCCAGCACCTGGCAGG-3'
Protein context (NP_001269938.1, residues 348-368): IFELFAEAQI[Thr358Met]FQTKGCILDS

ClinVar aggregate classification (germline): Uncertain significance (1 of 4 stars; one submission).

Conditions:
Inborn genetic diseases. Identifiers: MedGen C0950123, MeSH D030342.

gnomAD v4.1: 14 of 1,611,956 alleles (0.00087%); highest among the groups gnomAD compares: South Asian, 0.0044%; no homozygotes.

Submission:

Ambry Genetics
Classification: Uncertain significance for Inborn genetic diseases. Last evaluated: 2025-06-06. Review status: criteria provided, single submitter. Criteria: Ambry Variant Classification Scheme 2023. Collection method: clinical testing. Allele origin: germline.
Comment: The p.T358M variant (also known as c.1073C>T), located in coding exon 12 of the RTEL1 gene, results from a C to T substitution at nucleotide position 1073. The threonine at codon 358 is replaced by methionine, an amino acid with similar properties. This amino acid position is conserved. In addition, the in silico prediction for this alteration is inconclusive. Based on the available evidence, the clinical significance of this variant remains unclear.